The following is an entry in ClinVar:

ClinVar aggregate classification (germline): Uncertain significance (1 of 4 stars; one submission).

Conditions:
Cardiovascular phenotype. Identifiers: MedGen CN230736.

Submission:

Ambry Genetics
Classification: Uncertain significance for Cardiovascular phenotype. Last evaluated: 2018-09-29. Review status: criteria provided, single submitter. Criteria: Ambry Variant Classification Scheme 2023. Collection method: clinical testing. Allele origin: germline.
Comment: The p.V2055I variant (also known as c.6163G>A), located in coding exon 26 of the TTN gene, results from a G to A substitution at nucleotide position 6163. The valine at codon 2055 is replaced by isoleucine, an amino acid with highly similar properties. This amino acid position is highly conserved in available vertebrate species. In addition, this alteration is predicted to be tolerated by in silico analysis. Since supporting evidence is limited at this time, the clinical significance of this alteration remains unclear.

NM_001267550.2(TTN):c.6301G>A (p.Val2101Ile)

Gene: TTN (titin; minus strand). Cytogenetic location: 2q31.2.
Variant type: single nucleotide variant.
Coding change: c.6301G>A on transcript NM_001267550.2 (MANE Select); coding-DNA position 6301, G replaced by A.
Protein change: p.Val2101Ile; replaces valine 2101 with isoleucine.
Molecular consequence: missense variant.
Genome position (GRCh38, 1-based): chr2:178,775,563, C>T on the plus strand (G>A on the coding strand, the complement: TTN is on the minus strand). VCF-style: chr2-178775563-C-T. GRCh37 (hg19) VCF-style: chr2-179640290-C-T.
Other names: c.6301G>A, p.Val2101Ile (NM_001256850.1, NM_133378.4, NM_133379.5); c.6163G>A, p.Val2055Ile (NM_003319.4, NM_133432.3, NM_133437.4); short protein forms V2101I, V2055I.
Identifiers: ClinVar variation 1751965 (VCV001751965.2), dbSNP rs2092131238, ClinGen allele CA349441248.
Genomic context (GRCh38, chr2:178,775,563, plus strand): 5'-ACCGTTCAATTTTGACACCATTTTTGTACCATTCACATTCGGGGTCTGGTTTCCCCACGA[C>T]TCTGACCCGGAAGTGTGCATCAGATCCTTGGCCCACTGTTTGGCTCTGGATTCTTTCGAA-3'
Protein context (NP_001254479.2, residues 2091-2111): QGSDAHFRVR[Val2101Ile]VGKPDPECEW